The following is an entry in ClinVar:

NM_007294.4(BRCA1):c.5204A>T (p.Glu1735Val)

Gene: BRCA1 (BRCA1 DNA repair associated; minus strand). Cytogenetic location: 17q21.31.
Variant type: single nucleotide variant.
Coding change: c.5204A>T on transcript NM_007294.4 (MANE Select); coding-DNA position 5204, A replaced by T.
Protein change: p.Glu1735Val; replaces glutamic acid 1735 with valine.
Molecular consequence: missense variant. On other transcripts: non-coding transcript variant (1).
Genome position (GRCh38, 1-based): chr17:43,057,125, T>A on the plus strand (A>T on the coding strand, the complement: BRCA1 is on the minus strand). VCF-style: chr17-43057125-T-A. GRCh37 (hg19) VCF-style: chr17-41209142-T-A.
Other names: c.4991A>T, p.Glu1664Val (NM_001407571.1, NM_001407900.1, NM_001407902.1 and 12 more transcripts); c.5270A>T, p.Glu1757Val (NM_001407581.1, NM_001407582.1); c.5267A>T, p.Glu1756Val (NM_001407583.1, NM_001407585.1, NM_001407587.1 and 1 more transcripts); c.5201A>T, p.Glu1734Val (NM_001407610.1, NM_001407611.1, NM_001407612.1 and 17 more transcripts); c.5198A>T, p.Glu1733Val (NM_001407629.1, NM_001407630.1, NM_001407631.1 and 14 more transcripts); c.5144A>T, p.Glu1715Val (NM_001407649.1); c.5126A>T, p.Glu1709Val (NM_001407652.1, NM_001407653.1, NM_001407654.1 and 1 more transcripts); c.5123A>T, p.Glu1708Val (NM_001407656.1, NM_001407657.1, NM_001407658.1); and 72 more; short protein forms E1688V, E1756V, E1735V, E631V, E1607V, E1624V, E1645V, E1663V.
Identifiers: ClinVar variation 867515 (VCV000867515.5), dbSNP rs2051527499, ClinGen allele CA10591126.

ClinVar aggregate classification (germline): Conflicting classifications of pathogenicity. Review status: criteria provided, conflicting classifications (1 of 4 stars). 2 submissions from 2 submitters: Uncertain significance (1); Likely benign (1). Last evaluated 2026-05-01.

Conditions:
Hereditary breast ovarian cancer syndrome. Also called: Hereditary breast and ovarian cancer syndrome; Hereditary breast and ovarian cancer; Hereditary breast and ovarian cancer syndrome (HBOC); Breast and ovarian cancer; BRCA1- and BRCA2-Associated Hereditary Breast and Ovarian Cancer; Hereditary breast and/or ovarian cancer syndrome. Identifiers: Orphanet 145, MedGen C0677776, MeSH D061325, MONDO:0003582. Disease mechanism: loss of function.
Breast-ovarian cancer, familial, susceptibility to, 1 (BROVCA1). Also called: BRCA1 Hereditary Breast and Ovarian Cancer; OVARIAN CANCER, SUSCEPTIBILITY TO. Identifiers: Orphanet 145, MedGen C2676676, MONDO:0011450, OMIM 604370. Disease mechanism: loss of function.

Allele frequency attached by ClinVar (database versions not stated): gnomAD exomes below 0.00001.
gnomAD v4.1: 1 of 1,613,866 alleles (0.000062%); highest among the groups gnomAD compares: South Asian, 0.0011%; no homozygotes.

Submissions (3):

Cancer Bioinformatics and Tumour Evolution Laboratory, Monash University
Classification: Likely benign for Breast-ovarian cancer, familial, susceptibility to, 1. Last evaluated: 2026-05-01. Review status: criteria provided, single submitter. Criteria: ClinGen BRCA1 and BRCA2 Guidelines, 2024. Collection method: curation. Allele origin: germline. Inheritance: Autosomal dominant inheritance.
Comment: PMID: 30209399 - Saturation genome editing on HAP1 cells (haploid) to assess HDR capacity. This variant (E1735V) was found to be functional. This allows for BS3 application. But variant is also in a functional domain (BRCT domain) with BayesDel score of 0.407136, which is in the pathogenic range for BRCA1. Hence, PP3 is applied. The BRCA1 and BRCA2 VCEP uses a points system to resolve contradictory evidence. -4 points for benign strong and +1 point for path supporting. This equals -3, which satisfies LIKELY BENIGN.

Labcorp Genetics (formerly Invitae), Labcorp
Classification: Uncertain significance for Hereditary breast ovarian cancer syndrome. Last evaluated: 2025-07-09. Review status: criteria provided, single submitter. Criteria: Invitae Variant Classification Sherloc (09022015). Collection method: clinical testing. Allele origin: germline.
Comment: This sequence change replaces glutamic acid, which is acidic and polar, with valine, which is neutral and non-polar, at codon 1735 of the BRCA1 protein (p.Glu1735Val). This variant is not present in population databases (gnomAD no frequency). This variant has not been reported in the literature in individuals affected with BRCA1-related conditions. ClinVar contains an entry for this variant (Variation ID: 867515). Invitae Evidence Modeling incorporating data from in vitro experimental studies (PMID: 30209399) indicates that this missense variant is not expected to disrupt BRCA1 function with a negative predictive value of 95%. In summary, the available evidence is currently insufficient to determine the role of this variant in disease. Therefore, it has been classified as a Variant of Uncertain Significance.

Brotman Baty Institute, University of Washington
No classification provided (evidence only). Condition: Breast-ovarian cancer, familial 1. Review status: no classification provided. Collection method: in vitro. Allele origin: not applicable. Functional consequence: functionally_normal. Not counted in ClinVar's aggregate classification.
ClinVar note: "not provided" was previously submitted as the classification for the variant. However, the classification appeared to be based only on an observation of functional data so it was converted to no classification on 2025-07-30.

Literature cited by the submitters: PubMed 30209399 (cited by Cancer Bioinformatics and Tumour Evolution Laboratory, Monash University and Labcorp Genetics (formerly Invitae), Labcorp).